The following is an entry in ClinVar:

NM_000180.4(GUCY2D):c.452G>A (p.Gly151Asp)

Gene: GUCY2D (guanylate cyclase 2D, retinal; plus strand). Cytogenetic location: 17p13.1.
Variant type: single nucleotide variant.
Coding change: c.452G>A on transcript NM_000180.4 (MANE Select); coding-DNA position 452, G replaced by A.
Protein change: p.Gly151Asp; replaces glycine 151 with aspartic acid.
Molecular consequence: missense variant.
Genome position (GRCh38, 1-based): chr17:8,003,499, G>A. VCF-style: chr17-8003499-G-A. GRCh37 (hg19) VCF-style: chr17-7906817-G-A.
Other names: c.452G>A (NM_000180.3); short protein forms G151D.
Identifiers: ClinVar variation 1442611 (VCV001442611.7), dbSNP rs890569519, ClinGen allele CA287523247.

ClinVar aggregate classification (germline): Uncertain significance. Review status: criteria provided, multiple submitters, no conflicts (2 of 4 stars). 3 submissions from 3 submitters: Uncertain significance (3). Last evaluated 2025-12-24.

Conditions:
Cone-rod dystrophy 6 (CORD6). Also called: RETINAL CONE DYSTROPHY 2; Cone dystrophy progressive. Identifiers: Orphanet 1872, MedGen C1866293, MONDO:0011143, OMIM 601777.
Leber congenital amaurosis 1 (LCA1). Also called: Congenital absence of the rods and cones; Leber's congenital tapetoretinal degeneration; Leber's congenital tapetoretinal dysplasia; RETINAL BLINDNESS, CONGENITAL; AMAUROSIS CONGENITA OF LEBER I. Identifiers: Orphanet 65, MedGen C2931258, MONDO:0008764, OMIM 204000.
Inborn genetic diseases. Identifiers: MedGen C0950123, MeSH D030342.

Allele frequency attached by ClinVar (database versions not stated): gnomAD exomes 0.00001 and 0.00002; gnomAD 0.00002; TOPMed 0.00003.

Submissions (3):

Ambry Genetics
Classification: Uncertain significance for Inborn genetic diseases. Last evaluated: 2025-12-24. Review status: criteria provided, single submitter. Criteria: Ambry Variant Classification Scheme 2023. Collection method: clinical testing. Allele origin: germline.

Labcorp Genetics (formerly Invitae), Labcorp
Classification: Uncertain significance for Leber congenital amaurosis 1; Cone-rod dystrophy 6. Last evaluated: 2022-10-26. Review status: criteria provided, single submitter. Criteria: Invitae Variant Classification Sherloc (09022015). Collection method: clinical testing. Allele origin: germline.
Comment: This sequence change replaces glycine, which is neutral and non-polar, with aspartic acid, which is acidic and polar, at codon 151 of the GUCY2D protein (p.Gly151Asp). The frequency data for this variant in the population databases is considered unreliable, as metrics indicate poor data quality at this position in the gnomAD database. This variant has not been reported in the literature in individuals affected with GUCY2D-related conditions. ClinVar contains an entry for this variant (Variation ID: 1442611). Advanced modeling of protein sequence and biophysical properties (such as structural, functional, and spatial information, amino acid conservation, physicochemical variation, residue mobility, and thermodynamic stability) performed at Invitae indicates that this missense variant is not expected to disrupt GUCY2D protein function. In summary, the available evidence is currently insufficient to determine the role of this variant in disease. Therefore, it has been classified as a Variant of Uncertain Significance.

Blueprint Genetics
Classification: Uncertain significance. Last evaluated: 2020-11-06. Review status: criteria provided, single submitter. Criteria: ACMG Guidelines, 2015. Collection method: clinical testing. Allele origin: germline.